The following is an entry in ClinVar:

ClinVar aggregate classification (germline): Uncertain significance (1 of 4 stars; one submission).

Conditions:
Myopathy, proximal, and ophthalmoplegia (CMYO6). Also called: MYOPATHY WITH CONGENITAL JOINT CONTRACTURES, OPHTHALMOPLEGIA, AND RIMMED VACUOLES; CONGENITAL MYOPATHY 6 WITH OPHTHALMOPLEGIA; INCLUSION BODY MYOPATHY 3, AUTOSOMAL DOMINANT. Identifiers: Orphanet 363677, Orphanet 79091, MedGen C1854106, MONDO:0011577, OMIM 605637.

gnomAD v4.1: 4 of 1,614,188 alleles (0.00025%); highest among the groups gnomAD compares: South Asian, 0.0044%; no homozygotes.

Submission:

Labcorp Genetics (formerly Invitae), Labcorp
Classification: Uncertain significance for Myopathy, proximal, and ophthalmoplegia. Last evaluated: 2024-02-05. Review status: criteria provided, single submitter. Criteria: Invitae Variant Classification Sherloc (09022015). Collection method: clinical testing. Allele origin: germline.
Comment: This sequence change replaces glutamine, which is neutral and polar, with lysine, which is basic and polar, at codon 1111 of the MYH2 protein (p.Gln1111Lys). This variant is present in population databases (rs758264018, gnomAD 0.01%). This variant has not been reported in the literature in individuals affected with MYH2-related conditions. ClinVar contains an entry for this variant (Variation ID: 2146826). Advanced modeling of protein sequence and biophysical properties (such as structural, functional, and spatial information, amino acid conservation, physicochemical variation, residue mobility, and thermodynamic stability) performed at Invitae indicates that this missense variant is not expected to disrupt MYH2 protein function with a negative predictive value of 80%. In summary, the available evidence is currently insufficient to determine the role of this variant in disease. Therefore, it has been classified as a Variant of Uncertain Significance.

NM_017534.6(MYH2):c.3331C>A (p.Gln1111Lys)

Genes: MYH2 (myosin heavy chain 2; minus strand), MYHAS (myosin heavy chain gene cluster antisense RNA; plus strand). Cytogenetic location: 17p13.1.
Variant type: single nucleotide variant.
Coding change: c.3331C>A on transcript NM_017534.6 (MANE Select); coding-DNA position 3331, C replaced by A.
Protein change: p.Gln1111Lys; replaces glutamine 1111 with lysine.
Molecular consequence: missense variant.
Genome position (GRCh38, 1-based): chr17:10,529,185, G>T on the plus strand (C>A on the coding strand, the complement: MYH2 is on the minus strand). VCF-style: chr17-10529185-G-T. GRCh37 (hg19) VCF-style: chr17-10432502-G-T.
Other names: c.3331C>A, p.Gln1111Lys (NM_001100112.2); short protein forms Q1111K.
Identifiers: ClinVar variation 2146826 (VCV002146826.4), dbSNP rs758264018, ClinGen allele CA8390940.